The following is an entry in ClinVar:

ClinVar aggregate classification (germline): Uncertain significance. Review status: criteria provided, multiple submitters, no conflicts (2 of 4 stars). 2 submissions from 2 submitters: Uncertain significance (2). Last evaluated 2025-07-28.

Conditions:
Inborn genetic diseases. Identifiers: MedGen C0950123, MeSH D030342.

Allele frequency attached by ClinVar (database versions not stated): ExAC 0.00001; gnomAD 0.00003; TOPMed 0.00003; ESP Exome Variant Server 0.00008.
gnomAD v4.1: 68 of 1,613,956 alleles (0.0042%); highest among the groups gnomAD compares: Non-Finnish European, 0.0051%; no homozygotes.

Submissions (2):

GeneDx
Classification: Uncertain significance. Last evaluated: 2025-07-28. Review status: criteria provided, single submitter. Criteria: GeneDx Variant Classification Process June 2021. Collection method: clinical testing. Allele origin: germline. Affected: yes.
Comment: Not observed at significant frequency in large population cohorts (gnomAD); In silico analysis supports that this missense variant has a deleterious effect on protein structure/function; Has not been previously published as pathogenic or benign to our knowledge

Ambry Genetics
Classification: Uncertain significance for Inborn genetic diseases. Last evaluated: 2023-06-01. Review status: criteria provided, single submitter. Criteria: Ambry Variant Classification Scheme 2023. Collection method: clinical testing. Allele origin: germline.

NM_194248.3(OTOF):c.5626C>A (p.Pro1876Thr)

Gene: OTOF (otoferlin; minus strand). Cytogenetic location: 2p23.3.
Variant type: single nucleotide variant.
Coding change: c.5626C>A on transcript NM_194248.3 (MANE Select); coding-DNA position 5626, C replaced by A.
Protein change: p.Pro1876Thr; replaces proline 1876 with threonine.
Molecular consequence: missense variant.
Genome position (GRCh38, 1-based): chr2:26,460,938, G>T on the plus strand (C>A on the coding strand, the complement: OTOF is on the minus strand). VCF-style: chr2-26460938-G-T. GRCh37 (hg19) VCF-style: chr2-26683806-G-T.
Other names: c.5626C>A, p.Pro1876Thr (NM_001287489.2); c.3325C>A, p.Pro1109Thr (NM_004802.4, NM_194323.3); c.3556C>A, p.Pro1186Thr (NM_194322.3); short protein forms P1109T, P1876T, P1186T.
Identifiers: ClinVar variation 2554735 (VCV002554735.3), dbSNP rs376585613, ClinGen allele CA1562764.